The following is an entry in ClinVar:

ClinVar aggregate classification (germline): Uncertain significance (1 of 4 stars; one submission).

Submission:

Labcorp Genetics (formerly Invitae), Labcorp
Classification: Uncertain significance. Last evaluated: 2022-07-06. Review status: criteria provided, single submitter. Criteria: Invitae Variant Classification Sherloc (09022015). Collection method: clinical testing. Allele origin: germline.
Comment: Algorithms developed to predict the effect of missense changes on protein structure and function are either unavailable or do not agree on the potential impact of this missense change (SIFT: "Deleterious"; PolyPhen-2: "Benign"; Align-GVGD: "Class C35"). In summary, the available evidence is currently insufficient to determine the role of this variant in disease. Therefore, it has been classified as a Variant of Uncertain Significance. ClinVar contains an entry for this variant (Variation ID: 1462140). This variant has not been reported in the literature in individuals affected with CNGA3-related conditions. This variant is not present in population databases (gnomAD no frequency). This sequence change replaces phenylalanine, which is neutral and non-polar, with serine, which is neutral and polar, at codon 281 of the CNGA3 protein (p.Phe281Ser).

NM_001298.3(CNGA3):c.842T>C (p.Phe281Ser)

Gene: CNGA3 (cyclic nucleotide gated channel subunit alpha 3; plus strand). Cytogenetic location: 2q11.2.
Variant type: single nucleotide variant.
Coding change: c.842T>C on transcript NM_001298.3 (MANE Select); coding-DNA position 842, T replaced by C.
Protein change: p.Phe281Ser; replaces phenylalanine 281 with serine.
Molecular consequence: missense variant.
Genome position (GRCh38, 1-based): chr2:98,396,012, T>C. VCF-style: chr2-98396012-T-C. GRCh37 (hg19) VCF-style: chr2-99012475-T-C.
Other names: c.788T>C, p.Phe263Ser (NM_001079878.2); short protein forms F281S, F263S.
Identifiers: ClinVar variation 1462140 (VCV001462140.6), dbSNP rs2104245893, ClinGen allele CA347832257.
Genomic context (GRCh38, chr2:98,396,012, plus strand): 5'-TGGCTTACTTAAAGGTGGGCACAAACTACCCAGAAGTGAGGTTCAACCGCCTACTGAAGT[T>C]TTCCCGGCTCTTTGAATTCTTTGACCGCACAGAGACAAGGACCAACTACCCCAATATGTT-3'
Protein context (NP_001289.1, residues 271-291): PEVRFNRLLK[Phe281Ser]SRLFEFFDRT